The following is an entry in ClinVar:

ClinVar aggregate classification (germline): Uncertain significance (1 of 4 stars; one submission).

Conditions:
Inborn genetic diseases. Identifiers: MedGen C0950123, MeSH D030342.

gnomAD v4.1: 1 of 1,614,136 alleles (0.000062%); highest among the groups gnomAD compares: Non-Finnish European, 0.000085%; no homozygotes.

Submission:

Ambry Genetics
Classification: Uncertain significance for Inborn genetic diseases. Last evaluated: 2026-06-13. Review status: criteria provided, single submitter. Criteria: Ambry Variant Classification Scheme 2023. Collection method: clinical testing. Allele origin: germline.
Comment: The p.P635A variant (also known as c.1903C>G), located in coding exon 15 of the BUB1B gene, results from a C to G substitution at nucleotide position 1903. The proline at codon 635 is replaced by alanine, an amino acid with highly similar properties. This amino acid position is conserved. In addition, this alteration is predicted to be tolerated by in silico analysis. Based on the available evidence, the clinical significance of this variant remains unclear.

NM_001211.6(BUB1B):c.1903C>G (p.Pro635Ala)

Gene: BUB1B (BUB1 mitotic checkpoint serine/threonine kinase B; plus strand). Cytogenetic location: 15q15.1.
Variant type: single nucleotide variant.
Coding change: c.1903C>G on transcript NM_001211.6 (MANE Select); coding-DNA position 1903, C replaced by G.
Protein change: p.Pro635Ala; replaces proline 635 with alanine.
Molecular consequence: missense variant.
Genome position (GRCh38, 1-based): chr15:40,206,352, C>G. VCF-style: chr15-40206352-C-G. GRCh37 (hg19) VCF-style: chr15-40498553-C-G.
Other names: short protein forms P635A.
Identifiers: ClinVar variation 4867975 (VCV004867975.1).